The following is an entry in ClinVar:

ClinVar aggregate classification (germline): Benign. Review status: criteria provided, single submitter (1 of 4 stars). 2 submissions from 2 submitters: Benign (1). 1 of the submissions does not count toward it. Last evaluated 2023-11-28.

Conditions:
TRPV3-related disorder. Also called: TRPV3-related condition.

Allele frequency attached by ClinVar (database versions not stated): TOPMed 0.00006; gnomAD 0.00021; gnomAD exomes 0.00036; ExAC 0.00070; 1000 Genomes Project 30x 0.00094; 1000 Genomes Project 0.00100.
gnomAD v4.1: 556 of 1,609,230 alleles (0.035%); highest among the groups gnomAD compares: South Asian, 0.54%; 8 homozygotes.

Submissions (2):

Labcorp Genetics (formerly Invitae), Labcorp
Classification: Benign. Last evaluated: 2023-11-28. Review status: criteria provided, single submitter. Criteria: Invitae Variant Classification Sherloc (09022015). Collection method: clinical testing. Allele origin: germline.

PreventionGenetics, part of Exact Sciences
Classification: Likely benign for TRPV3-related condition. Last evaluated: 2019-08-06. Review status: no assertion criteria provided. Collection method: clinical testing. Allele origin: germline. Not counted in ClinVar's aggregate classification.
Comment: This variant is classified as likely benign based on ACMG/AMP sequence variant interpretation guidelines (Richards et al. 2015 PMID: 25741868, with internal and published modifications).

NM_145068.4(TRPV3):c.2278+8C>T

Gene: TRPV3 (transient receptor potential cation channel subfamily V member 3; minus strand). Cytogenetic location: 17p13.2.
Variant type: single nucleotide variant.
Coding change: c.2278+8C>T on transcript NM_145068.4 (MANE Select); 8 bases into the intron after coding-DNA position 2278, C replaced by T.
Molecular consequence: intron variant.
Genome position (GRCh38, 1-based): chr17:3,514,585, G>A on the plus strand (C>T on the coding strand, the complement: TRPV3 is on the minus strand). VCF-style: chr17-3514585-G-A. GRCh37 (hg19) VCF-style: chr17-3417879-G-A.
Other names: c.2278+8C>T (NM_001258205.2, NM_145068.3).
Identifiers: ClinVar variation 2736755 (VCV002736755.5), dbSNP rs555725941, ClinGen allele CA8289145.